The following is an entry in ClinVar:

NM_000059.4(BRCA2):c.4028A>G (p.Lys1343Arg)

Gene: BRCA2 (BRCA2 DNA repair associated; plus strand). Cytogenetic location: 13q13.1.
Variant type: single nucleotide variant.
Coding change: c.4028A>G on transcript NM_000059.4 (MANE Select); coding-DNA position 4028, A replaced by G.
Protein change: p.Lys1343Arg; replaces lysine 1343 with arginine.
Molecular consequence: missense variant. On other transcripts: non-coding transcript variant (1), intron variant (2).
Genome position (GRCh38, 1-based): chr13:32,338,383, A>G. VCF-style: chr13-32338383-A-G. GRCh37 (hg19) VCF-style: chr13-32912520-A-G.
Other names: c.4028A>G, p.Lys1343Arg (NM_001406719.1, NM_001406720.1); c.1909+4996A>G (NM_001406721.1); c.425-6175A>G (NM_001406722.1); short protein forms K1343R.
Identifiers: ClinVar variation 2920722 (VCV002920722.1), dbSNP rs2137502219, ClinGen allele CA387779058.

ClinVar aggregate classification (germline): Likely benign (1 of 4 stars; one submission).

Conditions:
Familial cancer of breast. Also called: Hereditary breast cancer; BREAST CANCER, FAMILIAL; hereditary breast carcinoma. Identifiers: Orphanet 227535, MedGen C0346153, MONDO:0016419, OMIM 114480. Disease mechanism: loss of function.

Submission:

MGZ Medical Genetics Center
Classification: Likely benign for Familial cancer of breast. Last evaluated: 2024-02-09. Review status: criteria provided, single submitter. Criteria: CSpec BRCA1/2ACMG Rules Specifications V1.1.0. Collection method: clinical testing. Allele origin: germline. Affected: yes.
Comment: ACMG codes applied following ENIGMA VCEP rules: BP1_STR, PM2_SUP